The following is an entry in ClinVar:

ClinVar aggregate classification (germline): Uncertain significance. Review status: criteria provided, multiple submitters, no conflicts (2 of 4 stars). 2 submissions from 2 submitters: Uncertain significance (2). Last evaluated 2024-01-31.

Conditions:
Hereditary cancer-predisposing syndrome. Also called: Hereditary Cancer Syndrome; Hereditary neoplastic syndrome; Tumor predisposition; Neoplastic Syndromes, Hereditary. Identifiers: Orphanet 140162, MedGen C0027672, MeSH D009386, MONDO:0015356.

Allele frequency attached by ClinVar (database versions not stated): gnomAD exomes below 0.00001.
gnomAD v4.1: 1 of 1,614,058 alleles (0.000062%); highest among the groups gnomAD compares: East Asian, 0.0022%; no homozygotes.

Submissions (2):

Ambry Genetics
Classification: Uncertain significance for Hereditary cancer-predisposing syndrome. Last evaluated: 2024-01-31. Review status: criteria provided, single submitter. Criteria: Ambry Variant Classification Scheme 2023. Collection method: clinical testing. Allele origin: germline.
Comment: The p.A80P variant (also known as c.238G>C) is located in coding exon 2 of the MSH3 gene. The alanine at codon 80 is replaced by proline, an amino acid with highly similar properties. This change occurs in the first base pair of coding exon 2. This amino acid position is conserved. In addition, this alteration is predicted to be tolerated by in silico analysis. Since supporting evidence is limited at this time, the clinical significance of this alteration remains unclear.

Labcorp Genetics (formerly Invitae), Labcorp
Classification: Uncertain significance. Last evaluated: 2023-12-28. Review status: criteria provided, single submitter. Criteria: Invitae Variant Classification Sherloc (09022015). Collection method: clinical testing. Allele origin: germline.
Comment: This sequence change replaces alanine, which is neutral and non-polar, with proline, which is neutral and non-polar, at codon 80 of the MSH3 protein (p.Ala80Pro). This variant is not present in population databases (gnomAD no frequency). This variant has not been reported in the literature in individuals affected with MSH3-related conditions. ClinVar contains an entry for this variant (Variation ID: 1790553). An algorithm developed to predict the effect of missense changes on protein structure and function (PolyPhen-2) suggests that this variant is likely to be tolerated. In summary, the available evidence is currently insufficient to determine the role of this variant in disease. Therefore, it has been classified as a Variant of Uncertain Significance.

NM_002439.5(MSH3):c.238G>C (p.Ala80Pro)

Gene: MSH3 (mutS homolog 3; plus strand). Cytogenetic location: 5q14.1.
Variant type: single nucleotide variant.
Coding change: c.238G>C on transcript NM_002439.5 (MANE Select); coding-DNA position 238, G replaced by C.
Protein change: p.Ala80Pro; replaces alanine 80 with proline.
Molecular consequence: missense variant.
Genome position (GRCh38, 1-based): chr5:80,656,411, G>C. VCF-style: chr5-80656411-G-C. GRCh37 (hg19) VCF-style: chr5-79952230-G-C.
Other names: short protein forms A80P.
Identifiers: ClinVar variation 1790553 (VCV001790553.7), dbSNP rs2546712088, ClinGen allele CA360266088.